The following is an entry in ClinVar:

NM_030930.4(UNC93B1):c.1205C>G (p.Pro402Arg)

Gene: UNC93B1 (unc-93B1 regulator of TLR signaling; minus strand). Cytogenetic location: 11q13.2.
Variant type: single nucleotide variant.
Coding change: c.1205C>G on transcript NM_030930.4 (MANE Select); coding-DNA position 1205, C replaced by G.
Protein change: p.Pro402Arg; replaces proline 402 with arginine.
Molecular consequence: missense variant.
Genome position (GRCh38, 1-based): chr11:67,995,769, G>C on the plus strand (C>G on the coding strand, the complement: UNC93B1 is on the minus strand). VCF-style: chr11-67995769-G-C. GRCh37 (hg19) VCF-style: chr11-67763240-G-C.
Other names: short protein forms P402R.
Identifiers: ClinVar variation 1713612 (VCV001713612.6), dbSNP rs1304888907, ClinGen allele CA381570697.
Genomic context (GRCh38, chr11:67,995,769, plus strand): 5'-CAGAAAAAGAGGATGAAGGTGAGCAGCAGGTGCACCCCTGCTCCGGCCACCAGGGGCACC[G>C]GGCGTGGCAGCCACAGGCCCAGCAGGCCCAGGAGTGAGGCGGCTGAGGCGCCCAGGCTGT-3'
Protein context (NP_112192.2, residues 392-412): LGLLGLWLPR[Pro402Arg]VPLVAGAGVH

ClinVar aggregate classification (germline): Uncertain significance (1 of 4 stars; one submission).

Conditions:
Encephalopathy, acute, infection-induced (herpes-specific), susceptibility to, 1. Also called: Herpes simplex encephalitis, susceptibility to, 1. Identifiers: Orphanet 1930, MedGen C2750180, MONDO:0024563, OMIM 610551.

Submission:

Labcorp Genetics (formerly Invitae), Labcorp
Classification: Uncertain significance for Encephalopathy, acute, infection-induced (herpes-specific), susceptibility to, 1. Last evaluated: 2022-12-06. Review status: criteria provided, single submitter. Criteria: Invitae Variant Classification Sherloc (09022015). Collection method: clinical testing. Allele origin: germline.
Comment: In summary, the available evidence is currently insufficient to determine the role of this variant in disease. Therefore, it has been classified as a Variant of Uncertain Significance. Experimental studies and prediction algorithms are not available or were not evaluated, and the functional significance of this variant is currently unknown. ClinVar contains an entry for this variant (Variation ID: 1713612). This variant has not been reported in the literature in individuals affected with UNC93B1-related conditions. This variant is not present in population databases (gnomAD no frequency). This sequence change replaces proline, which is neutral and non-polar, with arginine, which is basic and polar, at codon 402 of the UNC93B1 protein (p.Pro402Arg).